The following is an entry in ClinVar:

NM_001081.4(CUBN):c.883+5A>G

Gene: CUBN (cubilin; minus strand). Cytogenetic location: 10p13.
Variant type: single nucleotide variant.
Coding change: c.883+5A>G on transcript NM_001081.4 (MANE Select); 5 bases into the intron after coding-DNA position 883, A replaced by G.
Molecular consequence: intron variant.
Genome position (GRCh38, 1-based): chr10:17,114,022, T>C on the plus strand (A>G on the coding strand, the complement: CUBN is on the minus strand). VCF-style: chr10-17114022-T-C. GRCh37 (hg19) VCF-style: chr10-17156021-T-C.
Identifiers: ClinVar variation 2015441 (VCV002015441.4), dbSNP rs776443693, ClinGen allele CA662369614.

ClinVar aggregate classification (germline): Uncertain significance (1 of 4 stars; one submission).

Conditions:
Imerslund-Grasbeck syndrome. Also called: ENTEROCYTE COBALAMIN MALABSORPTION; ENTEROCYTE INTRINSIC FACTOR RECEPTOR, DEFECT OF; PERNICIOUS ANEMIA, JUVENILE, DUE TO SELECTIVE INTESTINAL MALABSORPTION OF VITAMIN B12, WITH PROTEINURIA; Megaloblastic anemia due to inborn errors of metabolism; Imerslund-Gräsbeck syndrome. Identifiers: Orphanet 35858, MedGen C4551825, MONDO:0009853.

Allele frequency attached by ClinVar (database versions not stated): TOPMed 0.00001.

Submission:

Labcorp Genetics (formerly Invitae), Labcorp
Classification: Uncertain significance for Imerslund-Grasbeck syndrome. Last evaluated: 2024-04-10. Review status: criteria provided, single submitter. Criteria: Invitae Variant Classification Sherloc (09022015). Collection method: clinical testing. Allele origin: germline.
Comment: This sequence change falls in intron 8 of the CUBN gene. It does not directly change the encoded amino acid sequence of the CUBN protein. It affects a nucleotide within the consensus splice site. This variant is not present in population databases (gnomAD no frequency). This variant has not been reported in the literature in individuals affected with CUBN-related conditions. ClinVar contains an entry for this variant (Variation ID: 2015441). Variants that disrupt the consensus splice site are a relatively common cause of aberrant splicing (PMID: 17576681, 9536098). Algorithms developed to predict the effect of sequence changes on RNA splicing suggest that this variant is not likely to affect RNA splicing. In summary, the available evidence is currently insufficient to determine the role of this variant in disease. Therefore, it has been classified as a Variant of Uncertain Significance.

Literature cited by the submitters: PubMed 17576681; PubMed 9536098.